The following is an entry in ClinVar:

NM_001040716.2(PC):c.1741C>T (p.Arg581Cys)

Gene: PC (pyruvate carboxylase; minus strand). Cytogenetic location: 11q13.2.
Variant type: single nucleotide variant.
Coding change: c.1741C>T on transcript NM_001040716.2 (MANE Select); coding-DNA position 1741, C replaced by T.
Protein change: p.Arg581Cys; replaces arginine 581 with cysteine.
Molecular consequence: missense variant.
Genome position (GRCh38, 1-based): chr11:66,852,523, G>A on the plus strand (C>T on the coding strand, the complement: PC is on the minus strand). VCF-style: chr11-66852523-G-A. GRCh37 (hg19) VCF-style: chr11-66619994-G-A.
Other names: c.1741C>T, p.Arg581Cys (NM_000920.4, NM_022172.3); short protein forms R581C.
Identifiers: ClinVar variation 2158416 (VCV002158416.4), dbSNP rs1945561693, ClinGen allele CA381495137.

ClinVar aggregate classification (germline): Uncertain significance (1 of 4 stars; one submission).

Conditions:
Pyruvate carboxylase deficiency. Also called: PC DEFICIENCY; Pyruvate Carboxylase Deficiency Disease; LEIGH NECROTIZING ENCEPHALOPATHY DUE TO PYRUVATE CARBOXYLASE DEFICIENCY; LEIGH SYNDROME DUE TO PYRUVATE CARBOXYLASE DEFICIENCY; ATAXIA WITH LACTIC ACIDOSIS II. Identifiers: Orphanet 3008, MedGen C0034341, MONDO:0009949, OMIM 266150.

Allele frequency attached by ClinVar (database versions not stated): TOPMed below 0.00001; gnomAD exomes 0.00001.

Submission:

Labcorp Genetics (formerly Invitae), Labcorp
Classification: Uncertain significance for Pyruvate carboxylase deficiency. Last evaluated: 2025-02-17. Review status: criteria provided, single submitter. Criteria: Invitae Variant Classification Sherloc (09022015). Collection method: clinical testing. Allele origin: germline.
Comment: This sequence change replaces arginine, which is basic and polar, with cysteine, which is neutral and slightly polar, at codon 581 of the PC protein (p.Arg581Cys). This variant is not present in population databases (gnomAD no frequency). This variant has not been reported in the literature in individuals affected with PC-related conditions. ClinVar contains an entry for this variant (Variation ID: 2158416). Invitae Evidence Modeling of protein sequence and biophysical properties (such as structural, functional, and spatial information, amino acid conservation, physicochemical variation, residue mobility, and thermodynamic stability) indicates that this missense variant is expected to disrupt PC protein function with a positive predictive value of 95%. In summary, the available evidence is currently insufficient to determine the role of this variant in disease. Therefore, it has been classified as a Variant of Uncertain Significance.